The following is an entry in ClinVar:

ClinVar aggregate classification (germline): Uncertain significance (1 of 4 stars; one submission).

Conditions:
Inborn genetic diseases. Identifiers: MedGen C0950123, MeSH D030342.

gnomAD v4.1: 1 of 1,613,736 alleles (0.000062%); highest among the groups gnomAD compares: Non-Finnish European, 0.000085%; no homozygotes.

Submission:

Ambry Genetics
Classification: Uncertain significance for Inborn genetic diseases. Last evaluated: 2025-04-18. Review status: criteria provided, single submitter. Criteria: Ambry Variant Classification Scheme 2023. Collection method: clinical testing. Allele origin: germline.
Comment: The p.V782I variant (also known as c.2344G>A), located in coding exon 21 of the ANKRD26 gene, results from a G to A substitution at nucleotide position 2344. The valine at codon 782 is replaced by isoleucine, an amino acid with highly similar properties. This amino acid position is conserved. In addition, this alteration is predicted to be tolerated by in silico analysis. Based on the available evidence, the clinical significance of this variant remains unclear.

NM_014915.3(ANKRD26):c.2344G>A (p.Val782Ile)

Gene: ANKRD26 (ankyrin repeat domain containing 26; minus strand). Cytogenetic location: 10p12.1.
Variant type: single nucleotide variant.
Coding change: c.2344G>A on transcript NM_014915.3 (MANE Select); coding-DNA position 2344, G replaced by A.
Protein change: p.Val782Ile; replaces valine 782 with isoleucine.
Molecular consequence: missense variant.
Genome position (GRCh38, 1-based): chr10:27,039,996, C>T on the plus strand (G>A on the coding strand, the complement: ANKRD26 is on the minus strand). VCF-style: chr10-27039996-C-T. GRCh37 (hg19) VCF-style: chr10-27328925-C-T.
Other names: c.2341G>A, p.Val781Ile (NM_001256053.2); short protein forms V782I, V781I.
Identifiers: ClinVar variation 3913773 (VCV003913773.1).